The following is an entry in ClinVar:

NM_006892.4(DNMT3B):c.131C>T (p.Pro44Leu)

Gene: DNMT3B (DNA methyltransferase 3 beta; plus strand). Cytogenetic location: 20q11.21.
Variant type: single nucleotide variant.
Coding change: c.131C>T on transcript NM_006892.4 (MANE Select); coding-DNA position 131, C replaced by T.
Protein change: p.Pro44Leu; replaces proline 44 with leucine.
Molecular consequence: missense variant.
Genome position (GRCh38, 1-based): chr20:32,780,454, C>T. VCF-style: chr20-32780454-C-T. GRCh37 (hg19) VCF-style: chr20-31368260-C-T.
Other names: c.131C>T, p.Pro44Leu (NM_001207055.2, NM_001207056.2, NM_175848.2 and 1 more transcripts); c.167C>T, p.Pro56Leu (NM_175850.3); short protein forms P56L, P44L.
Identifiers: ClinVar variation 1366987 (VCV001366987.5), dbSNP rs781313570, ClinGen allele CA9810039.

ClinVar aggregate classification (germline): Uncertain significance (1 of 4 stars; one submission).

Conditions:
Centromeric instability of chromosomes 1,9 and 16 and immunodeficiency (ICF1). Also called: IMMUNE DEFICIENCY, VARIABLE, WITH CENTROMERIC INSTABILITY OF CHROMOSOMES 1, 9, AND 16; IMMUNODEFICIENCY SYNDROME, VARIABLE; Immunodeficiency-centromeric instability-facial anomalies; CENTROMERIC INSTABILITY, IMMUNODEFICIENCY SYNDROME. Identifiers: Orphanet 2268, MedGen C0398788, MONDO:0000133.

Allele frequency attached by ClinVar (database versions not stated): gnomAD exomes below 0.00001 and 0.00001; ExAC 0.00001; gnomAD 0.00001; TOPMed 0.00001.
gnomAD v4.1: 9 of 1,612,968 alleles (0.00056%); highest among the groups gnomAD compares: East Asian, 0.0067%; no homozygotes.

Submission:

Labcorp Genetics (formerly Invitae), Labcorp
Classification: Uncertain significance for Centromeric instability of chromosomes 1,9 and 16 and immunodeficiency. Last evaluated: 2022-08-15. Review status: criteria provided, single submitter. Criteria: Invitae Variant Classification Sherloc (09022015). Collection method: clinical testing. Allele origin: germline.
Comment: This sequence change replaces proline, which is neutral and non-polar, with leucine, which is neutral and non-polar, at codon 44 of the DNMT3B protein (p.Pro44Leu). This variant is present in population databases (rs781313570, gnomAD 0.006%). This variant has not been reported in the literature in individuals affected with DNMT3B-related conditions. ClinVar contains an entry for this variant (Variation ID: 1366987). Algorithms developed to predict the effect of missense changes on protein structure and function output the following: SIFT: "Tolerated"; PolyPhen-2: "Benign"; Align-GVGD: "Class C0". The leucine amino acid residue is found in multiple mammalian species, which suggests that this missense change does not adversely affect protein function. In summary, the available evidence is currently insufficient to determine the role of this variant in disease. Therefore, it has been classified as a Variant of Uncertain Significance.